The following is an entry in ClinVar:

NM_000053.4(ATP7B):c.4338C>A (p.Asp1446Glu)

Gene: ATP7B (ATPase copper transporting beta; minus strand). Cytogenetic location: 13q14.3.
Variant type: single nucleotide variant.
Coding change: c.4338C>A on transcript NM_000053.4 (MANE Select); coding-DNA position 4338, C replaced by A.
Protein change: p.Asp1446Glu; replaces aspartic acid 1446 with glutamic acid.
Molecular consequence: missense variant.
Genome position (GRCh38, 1-based): chr13:51,934,816, G>T on the plus strand (C>A on the coding strand, the complement: ATP7B is on the minus strand). VCF-style: chr13-51934816-G-T. GRCh37 (hg19) VCF-style: chr13-52508952-G-T.
Other names: c.4332C>A, p.Asp1444Glu (NM_001406513.1); c.4305C>A, p.Asp1435Glu (NM_001406514.1); c.4284C>A, p.Asp1428Glu (NM_001406515.1, NM_001406516.1); c.4242C>A, p.Asp1414Glu (NM_001406517.1, NM_001406518.1); c.4203C>A, p.Asp1401Glu (NM_001406519.1); c.4194C>A, p.Asp1398Glu (NM_001406520.1, NM_001406521.1, NM_001406522.1); c.4155C>A, p.Asp1385Glu (NM_001406523.1); c.4161C>A, p.Asp1387Glu (NM_001406524.1); and 21 more; short protein forms D1016E, D1165E, D1219E, D1230E, D1239E, D1252E, D1282E, D1284E.
Identifiers: ClinVar variation 3075569 (VCV003075569.1), dbSNP rs760661082, ClinGen allele CA388018999.

ClinVar aggregate classification (germline): Uncertain significance (1 of 4 stars; one submission).

Conditions:
Wilson disease (WND). Also called: Wilson's disease. Identifiers: Orphanet 905, MedGen C0019202, MONDO:0010200, OMIM 277900. Disease mechanism: loss of function.

Submission:

All of Us Research Program, National Institutes of Health
Classification: Uncertain significance for Wilson disease. Last evaluated: 2023-06-08. Review status: criteria provided, single submitter. Criteria: ACMG Guidelines, 2015. Collection method: clinical testing. Allele origin: germline. Inheritance: Autosomal recessive inheritance. Observed: 1 variant allele, 1 heterozygote.
Comment: This missense variant replaces aspartic acid with glutamic acid at codon 1446 of the ATP7B protein. Computational prediction suggests that this variant may not impact protein structure and function (internally defined REVEL score threshold <= 0.5, PMID: 27666373). To our knowledge, functional studies have not been reported for this variant. This variant has not been reported in individuals affected with Wilson disease in the literature. This variant has not been identified in the general population by the Genome Aggregation Database (gnomAD). The available evidence is insufficient to determine the role of this variant in disease conclusively. Therefore, this variant is classified as a Variant of Uncertain Significance.

This study involves interpretation of variants in research participants for the purpose of population health screening. Participant phenotype was not available at the time of variant classification. Additional details can be found in publication PMID: 35346344, PMCID: PMC8962531